The following is an entry in ClinVar:

ClinVar aggregate classification (germline): Uncertain significance (1 of 4 stars; one submission).

Conditions:
Autosomal dominant osteopetrosis 2. Also called: MARBLE BONES, AUTOSOMAL DOMINANT; OSTEOSCLEROSIS FRAGILIS GENERALISATA; Osteopetroses; Marble bones; Albers-Schonberg disease; Osteosclerosis fragilis. Identifiers: Orphanet 53, MedGen C3179239, MONDO:0008156, OMIM 166600.
Hypopigmentation, organomegaly, and delayed myelination and development. Identifiers: MedGen C5203300, MONDO:0032805, OMIM 618541.
Autosomal recessive osteopetrosis 4. Also called: CLCN7-Related Osteopetrosis; infantile malignant CLCN7-related recessive osteopetrosis. Identifiers: Orphanet 667, MedGen C1969106, MONDO:0012676, OMIM 611490.

Submission:

Juno Genomics, Hangzhou Juno Genomics, Inc
Classification: Uncertain significance for Hypopigmentation, organomegaly, and delayed myelination and development; Autosomal dominant osteopetrosis 2; Autosomal recessive osteopetrosis 4. Review status: criteria provided, single submitter. Criteria: ACMG Guidelines, 2015. Collection method: clinical testing. Allele origin: germline.
Comment: Absent from controls (or at extremely low frequency if recessive) in Genome Aggregation Database.;Multiple lines of computational evidence support a deleterious effect on the gene or gene product.

NM_001287.6(CLCN7):c.1489T>C (p.Tyr497His)

Gene: CLCN7 (Cl-/H+ antiporter 7; minus strand). Cytogenetic location: 16p13.3.
Variant type: single nucleotide variant.
Coding change: c.1489T>C on transcript NM_001287.6 (MANE Select); coding-DNA position 1489, T replaced by C.
Protein change: p.Tyr497His; replaces tyrosine 497 with histidine.
Molecular consequence: missense variant.
Genome position (GRCh38, 1-based): chr16:1,450,625, A>G on the plus strand (T>C on the coding strand, the complement: CLCN7 is on the minus strand). VCF-style: chr16-1450625-A-G. GRCh37 (hg19) VCF-style: chr16-1500626-A-G.
Other names: c.1417T>C, p.Tyr473His (NM_001114331.3); short protein forms Y473H, Y497H.
Identifiers: ClinVar variation 5019397 (VCV005019397.2).